The following is an entry in ClinVar:

NM_152415.3(VPS37A):c.174A>T (p.Ile58=)

Gene: VPS37A (VPS37A subunit of ESCRT-I; plus strand). Cytogenetic location: 8p22.
Variant type: single nucleotide variant.
Coding change: c.174A>T on transcript NM_152415.3 (MANE Select); coding-DNA position 174, A replaced by T.
Protein change: p.Ile58=; no amino-acid change (isoleucine 58 retained).
Molecular consequence: synonymous variant. On other transcripts: 5 prime UTR variant (5), intron variant (1).
Genome position (GRCh38, 1-based): chr8:17,265,955, A>T. VCF-style: chr8-17265955-A-T. GRCh37 (hg19) VCF-style: chr8-17123464-A-T.
Other names: c.174A>T, p.Ile58= (NM_001363167.1, NM_001363173.2); c.-97A>T (NM_001363168.1, NM_001363169.1, NM_001363170.1 and 2 more transcripts); c.126-2303A>T (NM_001145152.2).
Identifiers: ClinVar variation 3042315 (VCV003042315.2), dbSNP rs368335033, ClinGen allele CA4643197.

ClinVar aggregate classification (germline): Likely benign (0 of 4 stars; one submission).

Conditions:
VPS37A-related disorder. Also called: VPS37A-related condition.

Allele frequency attached by ClinVar (database versions not stated): ExAC 0.00002; TOPMed 0.00002; gnomAD exomes 0.00004; ESP Exome Variant Server 0.00008.
gnomAD v4.1: 70 of 1,613,002 alleles (0.0043%); highest among the groups gnomAD compares: Non-Finnish European, 0.0056%; no homozygotes.

Submission:

PreventionGenetics, part of Exact Sciences
Classification: Likely benign for VPS37A-related condition. Last evaluated: 2019-05-08. Review status: no assertion criteria provided. Collection method: clinical testing. Allele origin: germline.
Comment: This variant is classified as likely benign based on ACMG/AMP sequence variant interpretation guidelines (Richards et al. 2015 PMID: 25741868, with internal and published modifications).